The following is an entry in ClinVar:

NM_000632.4(ITGAM):c.2194C>T (p.Arg732Cys)

Gene: ITGAM (integrin subunit alpha M; plus strand). Cytogenetic location: 16p11.2.
Variant type: single nucleotide variant.
Coding change: c.2194C>T on transcript NM_000632.4 (MANE Select); coding-DNA position 2194, C replaced by T.
Protein change: p.Arg732Cys; replaces arginine 732 with cysteine.
Molecular consequence: missense variant.
Genome position (GRCh38, 1-based): chr16:31,324,687, C>T. VCF-style: chr16-31324687-C-T. GRCh37 (hg19) VCF-style: chr16-31336008-C-T.
Other names: c.2197C>T, p.Arg733Cys (NM_001145808.2); short protein forms R733C, R732C.
Identifiers: ClinVar variation 2067785 (VCV002067785.4), dbSNP rs530372107, ClinGen allele CA8025754.

ClinVar aggregate classification (germline): Uncertain significance (1 of 4 stars; one submission).

Allele frequency attached by ClinVar (database versions not stated): ExAC 0.00001; gnomAD 0.00001; TOPMed 0.00001.
gnomAD v4.1: 19 of 1,602,190 alleles (0.0012%); highest among the groups gnomAD compares: Middle Eastern, 0.017%; no homozygotes.

Submission:

Labcorp Genetics (formerly Invitae), Labcorp
Classification: Uncertain significance. Last evaluated: 2022-07-01. Review status: criteria provided, single submitter. Criteria: Invitae Variant Classification Sherloc (09022015). Collection method: clinical testing. Allele origin: germline.
Comment: In summary, the available evidence is currently insufficient to determine the role of this variant in disease. Therefore, it has been classified as a Variant of Uncertain Significance. Algorithms developed to predict the effect of missense changes on protein structure and function (SIFT, PolyPhen-2, Align-GVGD) all suggest that this variant is likely to be disruptive. This variant has not been reported in the literature in individuals affected with ITGAM-related conditions. This variant is present in population databases (rs530372107, gnomAD 0.007%). This sequence change replaces arginine, which is basic and polar, with cysteine, which is neutral and slightly polar, at codon 732 of the ITGAM protein (p.Arg732Cys).